The following is an entry in ClinVar:

ClinVar aggregate classification (germline): Uncertain significance. Review status: criteria provided, multiple submitters, no conflicts (2 of 4 stars). 2 submissions from 2 submitters: Uncertain significance (2). Last evaluated 2022-09-07.

Conditions:
CHARGE syndrome (CHARGE). Also called: Hittner Hirsch Kreh syndrome; Coloboma, heart anomaly, choanal atresia, retardation, genital and ear anomalies; CHARGE association; Hall-Hittner syndrome; CHARGE ASSOCIATION--COLOBOMA, HEART ANOMALY, CHOANAL ATRESIA, RETARDATION, GENITAL AND EAR ANOMALIES. Identifiers: Orphanet 138, MedGen C0265354, MONDO:0008965.

Submissions (2):

Labcorp Genetics (formerly Invitae), Labcorp
Classification: Uncertain significance for CHARGE syndrome. Last evaluated: 2022-09-07. Review status: criteria provided, single submitter. Criteria: Invitae Variant Classification Sherloc (09022015). Collection method: clinical testing. Allele origin: germline.
Comment: This sequence change replaces glutamic acid, which is acidic and polar, with glutamine, which is neutral and polar, at codon 1658 of the CHD7 protein (p.Glu1658Gln). This variant is not present in population databases (gnomAD no frequency). This variant has not been reported in the literature in individuals affected with CHD7-related conditions. ClinVar contains an entry for this variant (Variation ID: 939007). Algorithms developed to predict the effect of missense changes on protein structure and function are either unavailable or do not agree on the potential impact of this missense change (SIFT: "Deleterious"; PolyPhen-2: "Probably Damaging"; Align-GVGD: "Class C0"). In summary, the available evidence is currently insufficient to determine the role of this variant in disease. Therefore, it has been classified as a Variant of Uncertain Significance.

GeneDx
Classification: Uncertain significance. Last evaluated: 2019-12-02. Review status: criteria provided, single submitter. Criteria: GeneDx Variant Classification Process June 2021. Collection method: clinical testing. Allele origin: germline. Affected: yes.
Comment: Not observed in large population cohorts (Lek et al., 2016); In silico analysis, which includes protein predictors and evolutionary conservation, supports a deleterious effect; Has not been previously published as pathogenic or benign to our knowledge

NM_017780.4(CHD7):c.4972G>C (p.Glu1658Gln)

Gene: CHD7 (chromodomain helicase DNA binding protein 7; plus strand). Cytogenetic location: 8q12.2.
Variant type: single nucleotide variant.
Coding change: c.4972G>C on transcript NM_017780.4 (MANE Select); coding-DNA position 4972, G replaced by C.
Protein change: p.Glu1658Gln; replaces glutamic acid 1658 with glutamine.
Molecular consequence: missense variant. On other transcripts: intron variant (1).
Genome position (GRCh38, 1-based): chr8:60,844,985, G>C. VCF-style: chr8-60844985-G-C. GRCh37 (hg19) VCF-style: chr8-61757544-G-C.
Other names: c.1717-17244G>C (NM_001316690.1); short protein forms E1658Q.
Identifiers: ClinVar variation 939007 (VCV000939007.11), dbSNP rs1805142705, ClinGen allele CA371319994.